The following is an entry in ClinVar:

ClinVar aggregate classification (germline): Uncertain significance (1 of 4 stars; one submission).

Conditions:
Combined oxidative phosphorylation defect type 14. Also called: Combined oxidative phosphorylation deficiency 14. Identifiers: Orphanet 319519, MedGen C4755312, MONDO:0013986, OMIM 614946.

Allele frequency attached by ClinVar (database versions not stated): gnomAD exomes below 0.00001; ESP Exome Variant Server 0.00008.

Submission:

Labcorp Genetics (formerly Invitae), Labcorp
Classification: Uncertain significance for Combined oxidative phosphorylation defect type 14. Last evaluated: 2020-08-02. Review status: criteria provided, single submitter. Criteria: Invitae Variant Classification Sherloc (09022015). Collection method: clinical testing. Allele origin: germline.
Comment: In summary, the available evidence is currently insufficient to determine the role of this variant in disease. Therefore, it has been classified as a Variant of Uncertain Significance. Advanced modeling of protein sequence and biophysical properties (such as structural, functional, and spatial information, amino acid conservation, physicochemical variation, residue mobility, and thermodynamic stability) performed at Invitae indicates that this missense variant is expected to disrupt FARS2 protein function. This variant has not been reported in the literature in individuals with FARS2-related conditions. This variant is not present in population databases (ExAC no frequency). This sequence change replaces histidine with tyrosine at codon 404 of the FARS2 protein (p.His404Tyr). The histidine residue is moderately conserved and there is a moderate physicochemical difference between histidine and tyrosine.

NM_006567.5(FARS2):c.1210C>T (p.His404Tyr)

Gene: FARS2 (phenylalanyl-tRNA synthetase 2, mitochondrial; plus strand). Cytogenetic location: 6p25.1.
Variant type: single nucleotide variant.
Coding change: c.1210C>T on transcript NM_006567.5 (MANE Select); coding-DNA position 1210, C replaced by T.
Protein change: p.His404Tyr; replaces histidine 404 with tyrosine.
Molecular consequence: missense variant.
Genome position (GRCh38, 1-based): chr6:5,613,313, C>T. VCF-style: chr6-5613313-C-T. GRCh37 (hg19) VCF-style: chr6-5613546-C-T.
Other names: c.1210C>T, p.His404Tyr (NM_001318872.2, NM_001374875.1, NM_001374876.1 and 4 more transcripts); c.1078C>T, p.His360Tyr (NM_001375258.1); c.514C>T, p.His172Tyr (NM_001375259.1, NM_001375260.1); short protein forms H172Y, H360Y, H404Y.
Identifiers: ClinVar variation 1016873 (VCV001016873.8), dbSNP rs367693160, ClinGen allele CA134338680.
Genomic context (GRCh38, chr6:5,613,313, plus strand): 5'-TTAGTCCGAACAATTGGAGGAGACCTGGTGGAAAAGGTTGATCTCATAGACAAGTTTGTA[C>T]ATCCAAAGTAAGTGAAAAGCTTTCTGATTTTACCCTTGACTATCTCTGTGTGATAAATGT-3'
Protein context (NP_006558.1, residues 394-414): EKVDLIDKFV[His404Tyr]PKTHKTSHCY